The following is an entry in ClinVar:

NM_000038.6(APC):c.7878T>C (p.Thr2626=)

Gene: APC (APC regulator of Wnt signaling pathway; plus strand). Cytogenetic location: 5q22.2.
Variant type: single nucleotide variant.
Coding change: c.7878T>C on transcript NM_000038.6 (MANE Select); coding-DNA position 7878, T replaced by C.
Protein change: p.Thr2626=; no amino-acid change (threonine 2626 retained).
Molecular consequence: synonymous variant.
Genome position (GRCh38, 1-based): chr5:112,843,472, T>C. VCF-style: chr5-112843472-T-C. GRCh37 (hg19) VCF-style: chr5-112179169-T-C.
Other names: c.7878T>C, p.Thr2626= (NM_001127510.3, NM_001354895.2); c.7824T>C, p.Thr2608= (NM_001127511.3); c.7932T>C, p.Thr2644= (NM_001354896.2); c.7908T>C, p.Thr2636= (NM_001354897.2); c.7803T>C, p.Thr2601= (NM_001354898.2); c.7794T>C, p.Thr2598= (NM_001354899.2); c.7755T>C, p.Thr2585= (NM_001354900.2); c.7701T>C, p.Thr2567= (NM_001354901.2); and 5 more.
Identifiers: ClinVar variation 795641 (VCV000795641.13), dbSNP rs757020188, ClinGen allele CA446210929.
Genomic context (GRCh38, chr5:112,843,472, plus strand): 5'-ATCCGCAAAAGGAACATGGAGAAAAATAAAAGAAAATGAATTTTCTCCCACAAATAGTAC[T>C]TCTCAGACCGTTTCCTCAGGTGCTACAAATGGTGCTGAATCAAAGACTCTAATTTATCAA-3'
Protein context (NP_000029.2, residues 2616-2636): KENEFSPTNS[Thr2626=]SQTVSSGATN

ClinVar aggregate classification (germline): Likely benign. Review status: criteria provided, multiple submitters, no conflicts (2 of 4 stars). 3 submissions from 3 submitters: Likely benign (3). Last evaluated 2024-09-08.

Conditions:
Hereditary cancer-predisposing syndrome. Also called: Neoplastic Syndromes, Hereditary; Hereditary neoplastic syndrome; Tumor predisposition; Hereditary Cancer Syndrome. Identifiers: Orphanet 140162, MedGen C0027672, MeSH D009386, MONDO:0015356.
Familial adenomatous polyposis 1 (FAP1). Also called: POLYPOSIS, ADENOMATOUS INTESTINAL; FAMILIAL ADENOMATOUS POLYPOSIS 1, ATTENUATED. Identifiers: MedGen C2713442, MONDO:0021056, OMIM 175100. Disease mechanism: loss of function.
Classic or attenuated familial adenomatous polyposis. Identifiers: MedGen CN372698, MONDO:0021057.

gnomAD v4.1: 1 of 1,613,970 alleles (0.000062%); highest among the groups gnomAD compares: Non-Finnish European, 0.000085%; no homozygotes.

Submissions (3):

Ambry Genetics
Classification: Likely benign for Hereditary cancer-predisposing syndrome. Last evaluated: 2024-09-08. Review status: criteria provided, single submitter. Criteria: Ambry Variant Classification Scheme 2023. Collection method: clinical testing. Allele origin: germline.

All of Us Research Program, National Institutes of Health
Classification: Likely benign for Classic or attenuated familial adenomatous polyposis. Last evaluated: 2023-10-02. Review status: criteria provided, single submitter. Criteria: ACMG Guidelines, 2015. Collection method: clinical testing. Allele origin: germline. Inheritance: Autosomal dominant inheritance. Observed: 1 variant allele, 1 heterozygote.
Comment: This study involves interpretation of variants in research participants for the purpose of population health screening. Participant phenotype was not available at the time of variant classification. Additional details can be found in publication PMID: 35346344, PMCID: PMC8962531

Labcorp Genetics (formerly Invitae), Labcorp
Classification: Likely benign for Familial adenomatous polyposis 1. Last evaluated: 2021-08-23. Review status: criteria provided, single submitter. Criteria: Invitae Variant Classification Sherloc (09022015). Collection method: clinical testing. Allele origin: germline.